The following is an entry in ClinVar:

NM_019109.5(ALG1):c.726T>C (p.Ser242=)

Gene: ALG1 (ALG1 chitobiosyldiphosphodolichol beta-mannosyltransferase; plus strand). Cytogenetic location: 16p13.3.
Variant type: single nucleotide variant.
Coding change: c.726T>C on transcript NM_019109.5 (MANE Select); coding-DNA position 726, T replaced by C.
Protein change: p.Ser242=; no amino-acid change (serine 242 retained).
Molecular consequence: synonymous variant.
Genome position (GRCh38, 1-based): chr16:5,078,003, T>C. VCF-style: chr16-5078003-T-C. GRCh37 (hg19) VCF-style: chr16-5128004-T-C.
Other names: c.393T>C, p.Ser131= (NM_001330504.2); c.726T>C (NM_019109.4).
Identifiers: ClinVar variation 1575844 (VCV001575844.11), dbSNP rs780479533, ClinGen allele CA7889970.

ClinVar aggregate classification (germline): Likely benign. Review status: criteria provided, multiple submitters, no conflicts (2 of 4 stars). 3 submissions from 3 submitters: Likely benign (2). 1 of the submissions does not count toward it. Last evaluated 2023-10-09.

Conditions:
ALG1-related disorder. Also called: ALG1-related condition.
ALG1-congenital disorder of glycosylation. Also called: CONGENITAL DISORDER OF GLYCOSYLATION, TYPE Ik; ALG1-CDG; CDG Ik. Identifiers: Orphanet 79327, MedGen C2931005, MONDO:0012052, OMIM 608540.

Allele frequency attached by ClinVar (database versions not stated): ExAC 0.00001; TOPMed 0.00002; gnomAD 0.00003.
gnomAD v4.1: 19 of 1,599,516 alleles (0.0012%); highest among the groups gnomAD compares: Non-Finnish European, 0.0016%; no homozygotes.

Submissions (3):

Labcorp Genetics (formerly Invitae), Labcorp
Classification: Likely benign for ALG1-congenital disorder of glycosylation. Last evaluated: 2023-10-09. Review status: criteria provided, single submitter. Criteria: Invitae Variant Classification Sherloc (09022015). Collection method: clinical testing. Allele origin: germline.

Fulgent Genetics
Classification: Likely benign for ALG1-congenital disorder of glycosylation. Last evaluated: 2021-11-16. Review status: criteria provided, single submitter. Criteria: ACMG Guidelines, 2015. Collection method: clinical testing. Allele origin: unknown.

PreventionGenetics, part of Exact Sciences
Classification: Likely benign for ALG1-related condition. Last evaluated: 2021-02-15. Review status: no assertion criteria provided. Collection method: clinical testing. Allele origin: germline. Not counted in ClinVar's aggregate classification.
Comment: This variant is classified as likely benign based on ACMG/AMP sequence variant interpretation guidelines (Richards et al. 2015 PMID: 25741868, with internal and published modifications).